The following is an entry in ClinVar:

ClinVar aggregate classification (germline): Conflicting classifications of pathogenicity. Review status: criteria provided, conflicting classifications (1 of 4 stars). 2 submissions from 2 submitters: Uncertain significance (1); Likely benign (1). Last evaluated 2024-11-10.

Conditions:
Familial adenomatous polyposis 1 (FAP1). Also called: FAMILIAL ADENOMATOUS POLYPOSIS 1, ATTENUATED; POLYPOSIS, ADENOMATOUS INTESTINAL. Identifiers: MedGen C2713442, MONDO:0021056, OMIM 175100. Disease mechanism: loss of function.
Hereditary cancer-predisposing syndrome. Also called: Neoplastic Syndromes, Hereditary; Tumor predisposition; Hereditary Cancer Syndrome; Hereditary neoplastic syndrome. Identifiers: Orphanet 140162, MedGen C0027672, MeSH D009386, MONDO:0015356.

Allele frequency attached by ClinVar (database versions not stated): gnomAD exomes below 0.00001 and 0.00001; ExAC 0.00001; gnomAD 0.00001; TOPMed 0.00001.
gnomAD v4.1: 9 of 1,613,996 alleles (0.00056%); highest among the groups gnomAD compares: East Asian, 0.0022%; no homozygotes.

Submissions (2):

Labcorp Genetics (formerly Invitae), Labcorp
Classification: Uncertain significance for Familial adenomatous polyposis 1. Last evaluated: 2024-11-10. Review status: criteria provided, single submitter. Criteria: Invitae Variant Classification Sherloc (09022015). Collection method: clinical testing. Allele origin: germline.
Comment: This sequence change replaces asparagine, which is neutral and polar, with serine, which is neutral and polar, at codon 2743 of the APC protein (p.Asn2743Ser). This variant is present in population databases (rs746961162, gnomAD 0.007%). This variant has not been reported in the literature in individuals affected with APC-related conditions. ClinVar contains an entry for this variant (Variation ID: 482397). Invitae Evidence Modeling of protein sequence and biophysical properties (such as structural, functional, and spatial information, amino acid conservation, physicochemical variation, residue mobility, and thermodynamic stability) indicates that this missense variant is not expected to disrupt APC protein function with a negative predictive value of 95%. In summary, the available evidence is currently insufficient to determine the role of this variant in disease. Therefore, it has been classified as a Variant of Uncertain Significance.

Ambry Genetics
Classification: Likely benign for Hereditary cancer-predisposing syndrome. Last evaluated: 2021-12-06. Review status: criteria provided, single submitter. Criteria: Ambry Variant Classification Scheme 2023. Collection method: clinical testing. Allele origin: germline.

NM_000038.6(APC):c.8228A>G (p.Asn2743Ser)

Gene: APC (APC regulator of Wnt signaling pathway; plus strand). Cytogenetic location: 5q22.2.
Variant type: single nucleotide variant.
Coding change: c.8228A>G on transcript NM_000038.6 (MANE Select); coding-DNA position 8228, A replaced by G.
Protein change: p.Asn2743Ser; replaces asparagine 2743 with serine.
Molecular consequence: missense variant.
Genome position (GRCh38, 1-based): chr5:112,843,822, A>G. VCF-style: chr5-112843822-A-G. GRCh37 (hg19) VCF-style: chr5-112179519-A-G.
Other names: c.8105A>G, p.Asn2702Ser (NM_001354900.2); c.7925A>G, p.Asn2642Ser (NM_001354903.2); c.7748A>G, p.Asn2583Ser (NM_001354905.2); c.8051A>G, p.Asn2684Ser (NM_001354901.2); c.7850A>G, p.Asn2617Ser (NM_001354904.2); c.7955A>G, p.Asn2652Ser (NM_001354902.2); c.8228A>G, p.Asn2743Ser (NM_001127510.3, NM_001354895.2); c.8174A>G, p.Asn2725Ser (NM_001127511.3); and 5 more; short protein forms N2725S, N2743S, N2642S, N2652S, N2583S, N2761S, N2617S, N2718S.
Identifiers: ClinVar variation 482397 (VCV000482397.13), dbSNP rs746961162, ClinGen allele CA050243.